The following is an entry in ClinVar:

ClinVar aggregate classification (germline): Likely benign. Review status: criteria provided, multiple submitters, no conflicts (2 of 4 stars). 4 submissions from 4 submitters: Likely benign (3). 1 of the submissions does not count toward it. Last evaluated 2024-07-31.

Conditions:
RYR1-related disorder. Also called: RYR1-related disorders; RYR1-related condition. Identifiers: MedGen CN239331.
Malignant hyperthermia, susceptibility to, 1 (MHS1). Also called: Anesthesia related hyperthermia; Malignant hyperpyrexia; Fulminating hyperpyrexia; Pharmacogenic myopathy; RYR1-Related Malignant Hyperthermia Susceptibility; Malignant hyperthermia suceptibility 1. Identifiers: Orphanet 423, MedGen C2930980, MONDO:0007783, OMIM 145600.

Allele frequency attached by ClinVar (database versions not stated): gnomAD 0.00002; gnomAD exomes 0.00005; ExAC 0.00007.
gnomAD v4.1: 40 of 1,613,906 alleles (0.0025%); highest among the groups gnomAD compares: South Asian, 0.041%; no homozygotes.

Submissions (4):

Labcorp Genetics (formerly Invitae), Labcorp
Classification: Likely benign for RYR1-related disorder. Last evaluated: 2024-07-31. Review status: criteria provided, single submitter. Criteria: Invitae Variant Classification Sherloc (09022015). Collection method: clinical testing. Allele origin: germline.

All of Us Research Program, National Institutes of Health
Classification: Likely benign for Malignant hyperthermia, susceptibility to, 1. Last evaluated: 2023-06-26. Review status: criteria provided, single submitter. Criteria: ACMG Guidelines, 2015. Collection method: clinical testing. Allele origin: germline. Inheritance: Autosomal dominant inheritance. Observed: 1 variant allele, 1 heterozygote.
Comment: This study involves interpretation of variants in research participants for the purpose of population health screening. Participant phenotype was not available at the time of variant classification. Additional details can be found in publication PMID: 35346344, PMCID: PMC8962531

Color Diagnostics, LLC DBA Color Health
Classification: Likely benign for Malignant hyperthermia, susceptibility to, 1. Last evaluated: 2022-11-06. Review status: criteria provided, single submitter. Criteria: ACMG Guidelines, 2015. Collection method: clinical testing. Allele origin: germline.

PreventionGenetics, part of Exact Sciences
Classification: Likely benign for RYR1-related condition. Last evaluated: 2019-11-04. Review status: no assertion criteria provided. Collection method: clinical testing. Allele origin: germline. Not counted in ClinVar's aggregate classification.
Comment: This variant is classified as likely benign based on ACMG/AMP sequence variant interpretation guidelines (Richards et al. 2015 PMID: 25741868, with internal and published modifications).

NM_000540.3(RYR1):c.1458C>G (p.Val486=)

Genes: RYR1 (ryanodine receptor 1; plus strand), LOC129391106 (MPRA-validated peak3472 silencer; plus strand). Cytogenetic location: 19q13.2.
Variant type: single nucleotide variant.
Coding change: c.1458C>G on transcript NM_000540.3 (MANE Select); coding-DNA position 1458, C replaced by G.
Protein change: p.Val486=; no amino-acid change (valine 486 retained).
Molecular consequence: synonymous variant.
Genome position (GRCh38, 1-based): chr19:38,455,252, C>G. VCF-style: chr19-38455252-C-G. GRCh37 (hg19) VCF-style: chr19-38945892-C-G.
Other names: c.1458C>G (NM_000540.2); c.1458C>G, p.Val486= (NM_001042723.2).
Identifiers: ClinVar variation 1095355 (VCV001095355.12), dbSNP rs756847004, ClinGen allele CA061424.
Genomic context (GRCh38, chr19:38,455,252, plus strand): 5'-CCTGGGTCTCCTATTGTGATGCCTCTTATTTTCCTCATCCTAGGGGATGCTCTCCATGGT[C>G]CTGAATTGCATAGACCGCCTAAATGTCTACACCACTGCTGCCCACTTTGCTGAGTTTGCA-3'
Protein context (NP_000531.2, residues 476-496): LFQEEGMLSM[Val486=]LNCIDRLNVY